The following is an entry in ClinVar:

ClinVar aggregate classification (germline): Uncertain significance (1 of 4 stars; one submission).

Submission:

GeneDx
Classification: Uncertain significance. Last evaluated: 2023-05-15. Review status: criteria provided, single submitter. Criteria: GeneDx Variant Classification Process June 2021. Collection method: clinical testing. Allele origin: germline. Affected: yes.
Comment: Not observed at significant frequency in large population cohorts (gnomAD); In silico analysis supports that this missense variant has a deleterious effect on protein structure/function; Has not been previously published as pathogenic or benign to our knowledge

NM_006267.5(RANBP2):c.7940T>G (p.Leu2647Arg)

Gene: RANBP2 (RAN binding protein 2; plus strand). Cytogenetic location: 2q13.
Variant type: single nucleotide variant.
Coding change: c.7940T>G on transcript NM_006267.5 (MANE Select); coding-DNA position 7940, T replaced by G.
Protein change: p.Leu2647Arg; replaces leucine 2647 with arginine.
Molecular consequence: missense variant.
Genome position (GRCh38, 1-based): chr2:108,771,791, T>G. VCF-style: chr2-108771791-T-G. GRCh37 (hg19) VCF-style: chr2-109388247-T-G.
Other names: c.8018T>G, p.Leu2673Arg (NM_001415871.1); c.7937T>G, p.Leu2646Arg (NM_001415872.1); c.7940T>G, p.Leu2647Arg (NM_001415873.1); short protein forms L2646R, L2647R, L2673R.
Identifiers: ClinVar variation 3343533 (VCV003343533.1).